The following is an entry in ClinVar:

ClinVar aggregate classification (germline): Uncertain significance (1 of 4 stars; one submission).

Conditions:
Developmental and epileptic encephalopathy, 42 (DEE42A). Also called: DEVELOPMENTAL AND EPILEPTIC ENCEPHALOPATHY 42A; EPILEPTIC ENCEPHALOPATHY, EARLY INFANTILE, 42A; Epileptic encephalopathy, early infantile, 42. Identifiers: MedGen C4310716, MONDO:0014917, OMIM 617106.
Episodic ataxia type 2 (EA2). Also called: ACETAZOLAMIDE-RESPONSIVE HEREDITARY PAROXYSMAL CEREBELLAR ATAXIA; EPISODIC ATAXIA, NYSTAGMUS-ASSOCIATED; ATAXIA, EPISODIC, WITH NYSTAGMUS; ATAXIA, FAMILIAL PAROXYSMAL; CEREBELLAR ATAXIA, PAROXYSMAL, ACETAZOLAMIDE-RESPONSIVE; CEREBELLOPATHY, HEREDITARY PAROXYSMAL. Identifiers: Orphanet 97, MedGen C1720416, MONDO:0007163, OMIM 108500.

Allele frequency attached by ClinVar (database versions not stated): TOPMed 0.00002; gnomAD 0.00001.
gnomAD v4.1: 9 of 1,536,592 alleles (0.00059%); highest among the groups gnomAD compares: Admixed American, 0.0039%; no homozygotes.

Submission:

Labcorp Genetics (formerly Invitae), Labcorp
Classification: Uncertain significance for Developmental and epileptic encephalopathy, 42; Episodic ataxia type 2. Last evaluated: 2025-11-09. Review status: criteria provided, single submitter. Criteria: Invitae Variant Classification Sherloc (09022015). Collection method: clinical testing. Allele origin: germline.
Comment: This sequence change replaces arginine, which is basic and polar, with glutamine, which is neutral and polar, at codon 2200 of the CACNA1A protein (p.Arg2200Gln). This variant is not present in population databases (gnomAD no frequency). This variant has not been reported in the literature in individuals affected with CACNA1A-related conditions. ClinVar contains an entry for this variant (Variation ID: 1011605). Invitae Evidence Modeling of protein sequence and biophysical properties (such as structural, functional, and spatial information, amino acid conservation, physicochemical variation, residue mobility, and thermodynamic stability) indicates that this missense variant is expected to disrupt CACNA1A protein function with a positive predictive value of 80%. In summary, the available evidence is currently insufficient to determine the role of this variant in disease. Therefore, it has been classified as a Variant of Uncertain Significance.

NM_001127222.2(CACNA1A):c.6596G>A (p.Arg2199Gln)

Gene: CACNA1A (calcium voltage-gated channel subunit alpha1 A; minus strand). Cytogenetic location: 19p13.13.
Variant type: single nucleotide variant.
Coding change: c.6596G>A on transcript NM_001127222.2 (MANE Select); coding-DNA position 6596, G replaced by A.
Protein change: p.Arg2199Gln; replaces arginine 2199 with glutamine.
Molecular consequence: missense variant.
Genome position (GRCh38, 1-based): chr19:13,208,940, C>T on the plus strand (G>A on the coding strand, the complement: CACNA1A is on the minus strand). VCF-style: chr19-13208940-C-T. GRCh37 (hg19) VCF-style: chr19-13319754-C-T.
Other names: c.6605G>A, p.Arg2202Gln (NM_001174080.2); c.6614G>A, p.Arg2205Gln (NM_023035.3, NM_000068.4); c.6599G>A, p.Arg2200Gln (NM_001127221.2); short protein forms R2199Q, R2200Q, R2202Q, R2205Q.
Identifiers: ClinVar variation 1011605 (VCV001011605.9), dbSNP rs1326871701, ClinGen allele CA404330551.